The following is an entry in ClinVar:

ClinVar aggregate classification (germline): Likely pathogenic (1 of 4 stars; one submission).

Conditions:
Primary ciliary dyskinesia 3. Identifiers: Orphanet 244, MedGen C1837618, MONDO:0012085, OMIM 608644.

Submission:

Myriad Genetics, Inc.
Classification: Likely pathogenic for Primary ciliary dyskinesia 3. Last evaluated: 2022-05-18. Review status: criteria provided, single submitter. Criteria: Myriad Women's Health Autosomal Recessive and X-Linked Classification Criteria (2021). Collection method: clinical testing. Allele origin: unknown.
Comment: NM_001369.2(DNAH5):c.9686dupA(E3230Gfs*8) is expected to be pathogenic in the context of DNAH5-related primary ciliary dyskinesia. This variant is predicted to lead to an abnormal or absent protein product due to the creation of a premature termination codon in DNAH5, a gene where loss-of-function variants are known to be pathogenic. Please note: this variant was assessed in the context of healthy population screening.

NM_001369.3(DNAH5):c.9686dup (p.Glu3230fs)

Gene: DNAH5 (dynein axonemal heavy chain 5; minus strand). Cytogenetic location: 5p15.2.
Variant type: Duplication.
Coding change: c.9686dup on transcript NM_001369.3 (MANE Select); coding-DNA position 9686, one base duplicated (A; older notation c.9686dupA).
Protein change: p.Glu3230fs; shifts the reading frame from glutamic acid 3230.
Molecular consequence: frameshift variant.
Genome position (GRCh38, 1-based): chr5:13,769,535, T duplicated on the plus strand (A on the coding strand, the reverse complement: DNAH5 is on the minus strand); the first of 4 consecutive T bases (chr5:13,769,535-13,769,538); duplicating any one gives the same sequence. VCF-style (leftmost placement, unchanged base first): chr5-13769534-C-CT. GRCh37 (hg19) VCF-style: chr5-13769643-C-CT.
Other names: short protein forms E3230fs.
Identifiers: ClinVar variation 1726158 (VCV001726158.2), dbSNP rs2546658739, ClinGen allele CA2580072202.